The following is an entry in ClinVar:

NM_001386298.1(CIC):c.2118C>T (p.Thr706=)

Gene: CIC (capicua transcriptional repressor; plus strand). Cytogenetic location: 19q13.2.
Variant type: single nucleotide variant.
Coding change: c.2118C>T on transcript NM_001386298.1 (MANE Select); coding-DNA position 2118, C replaced by T.
Protein change: p.Thr706=; no amino-acid change (threonine 706 retained).
Molecular consequence: synonymous variant.
Genome position (GRCh38, 1-based): chr19:42,273,901, C>T. VCF-style: chr19-42273901-C-T. GRCh37 (hg19) VCF-style: chr19-42778053-C-T.
Other names: c.2118C>T, p.Thr706= (NM_001304815.2, NM_001379480.1, NM_001379482.1 and 1 more transcripts).
Identifiers: ClinVar variation 2649963 (VCV002649963.24), dbSNP rs1226173234, ClinGen allele CA507702433.
Genomic context (GRCh38, chr19:42,273,901, plus strand): 5'-CCCCCGAGAGCGCCACTCCTCTGGAATCCTACCCACCTTCCAGACCAACCTGACCTTCAC[C>T]GTGCCCATCAGCCCTGGGCGACGGAAGACAGAGCTGTTGCCGCATCCAGGGGCCTTGGGG-3'
Protein context (NP_001373227.1, residues 696-716): LPTFQTNLTF[Thr706=]VPISPGRRKT

ClinVar aggregate classification (germline): Likely benign (1 of 4 stars; one submission).

Allele frequency attached by ClinVar (database versions not stated): gnomAD 0.00001; gnomAD exomes 0.00001.
gnomAD v4.1: 5 of 398,508 alleles (0.0013%); highest among the groups gnomAD compares: East Asian, 0.0036%; no homozygotes.

Submission:

CeGaT Center for Human Genetics Tuebingen
Classification: Likely benign. Last evaluated: 2022-04-01. Review status: criteria provided, single submitter. Criteria: CeGaT Center For Human Genetics Tuebingen Variant Classification Criteria Version 2. Collection method: clinical testing. Allele origin: germline. Affected: yes. Observed: 1 variant allele.
Comment: CIC: BP4, BP7